The following is an entry in ClinVar:

ClinVar aggregate classification (germline): Likely benign (1 of 4 stars; one submission).

gnomAD v4.1: 453 of 1,614,110 alleles (0.028%); highest among the groups gnomAD compares: South Asian, 0.48%; 18 homozygotes.

Submission:

CeGaT Center for Human Genetics Tuebingen
Classification: Likely benign. Last evaluated: 2025-03-01. Review status: criteria provided, single submitter. Criteria: CeGaT Center For Human Genetics Tuebingen Variant Classification Criteria Version 2. Collection method: clinical testing. Allele origin: germline. Affected: yes. Observed: 1 variant allele.
Comment: TTI1: BP4, BS2

NM_001303457.2(TTI1):c.319C>T (p.Pro107Ser)

Gene: TTI1 (TELO2 interacting protein 1; minus strand). Cytogenetic location: 20q11.23.
Variant type: single nucleotide variant.
Coding change: c.319C>T on transcript NM_001303457.2 (MANE Select); coding-DNA position 319, C replaced by T.
Protein change: p.Pro107Ser; replaces proline 107 with serine.
Molecular consequence: missense variant.
Genome position (GRCh38, 1-based): chr20:38,013,498, G>A on the plus strand (C>T on the coding strand, the complement: TTI1 is on the minus strand). VCF-style: chr20-38013498-G-A. GRCh37 (hg19) VCF-style: chr20-36641900-G-A.
Other names: c.319C>T, p.Pro107Ser (NM_014657.3); short protein forms P107S.
Identifiers: ClinVar variation 3778086 (VCV003778086.7).
Genomic context (GRCh38, chr20:38,013,498, plus strand): 5'-GTCCCTGGATCACAGCCAATTTCAACTCCTCGGACACAGCCGCAGGTTTTTGGGAGCTGG[G>A]TGAATACAGACAAGCAGAGAGTTCTGAAAAGAGTTCCTGGAGAAGCTCCTGTTCTTTCAC-3'
Protein context (NP_001290386.1, residues 97-117): FSELSACLYS[Pro107Ser]SSQKPAAVSE